The following is an entry in ClinVar:

NM_000038.6(APC):c.320C>A (p.Ser107Tyr)

Gene: APC (APC regulator of Wnt signaling pathway; plus strand). Cytogenetic location: 5q22.2.
Variant type: single nucleotide variant.
Coding change: c.320C>A on transcript NM_000038.6 (MANE Select); coding-DNA position 320, C replaced by A.
Protein change: p.Ser107Tyr; replaces serine 107 with tyrosine.
Molecular consequence: missense variant. On other transcripts: 5 prime UTR variant (1).
Genome position (GRCh38, 1-based): chr5:112,767,288, C>A. VCF-style: chr5-112767288-C-A. GRCh37 (hg19) VCF-style: chr5-112102985-C-A.
Other names: c.320C>A, p.Ser107Tyr (NM_001127510.3, NM_001354895.2, NM_001354896.2 and 2 more transcripts); c.350C>A, p.Ser117Tyr (NM_001127511.3, NM_001354897.2, NM_001354902.2); c.245C>A, p.Ser82Tyr (NM_001354898.2, NM_001354904.2); c.143C>A, p.Ser48Tyr (NM_001354900.2, NM_001354901.2, NM_001354905.2); c.-716C>A (NM_001354906.2); short protein forms S48Y, S107Y, S117Y, S82Y.
Identifiers: ClinVar variation 927805 (VCV000927805.5), dbSNP rs774416950, ClinGen allele CA16022021.

ClinVar aggregate classification (germline): Uncertain significance. Review status: criteria provided, multiple submitters, no conflicts (2 of 4 stars). 2 submissions from 2 submitters: Uncertain significance (2). Last evaluated 2025-11-24.

Conditions:
Hereditary cancer-predisposing syndrome. Also called: Neoplastic Syndromes, Hereditary; Hereditary Cancer Syndrome; Tumor predisposition; Hereditary neoplastic syndrome. Identifiers: Orphanet 140162, MedGen C0027672, MeSH D009386, MONDO:0015356.

gnomAD v4.1: 8 of 1,614,132 alleles (0.0005%); highest among the groups gnomAD compares: Non-Finnish European, 0.00068%; no homozygotes.

Submissions (2):

Ambry Genetics
Classification: Uncertain significance for Hereditary cancer-predisposing syndrome. Last evaluated: 2025-11-24. Review status: criteria provided, single submitter. Criteria: Ambry Variant Classification Scheme 2023. Collection method: clinical testing. Allele origin: germline.
Comment: The p.S107Y variant (also known as c.320C>A), located in coding exon 3 of the APC gene, results from a C to A substitution at nucleotide position 320. The serine at codon 107 is replaced by tyrosine, an amino acid with dissimilar properties. This amino acid position is conserved. In addition, in silico predictors for this gene do not accurately predict pathogenicity. Based on the available evidence, the clinical significance of this variant remains unclear.

Color Diagnostics, LLC DBA Color Health
Classification: Uncertain significance for Hereditary cancer-predisposing syndrome. Last evaluated: 2023-12-05. Review status: criteria provided, single submitter. Criteria: ACMG Guidelines, 2015. Collection method: clinical testing. Allele origin: germline.
Comment: This missense variant replaces serine with tyrosine at codon 107 of the APC protein. Computational prediction suggests that this variant may not impact protein structure and function (internally defined REVEL score threshold <= 0.5, PMID: 27666373). To our knowledge, functional studies have not been reported for this variant. This variant has not been reported in individuals affected with APC-related disorders in the literature. This variant has not been identified in the general population by the Genome Aggregation Database (gnomAD). The available evidence is insufficient to determine the role of this variant in disease conclusively. Therefore, this variant is classified as a Variant of Uncertain Significance.